The following is an entry in ClinVar:

ClinVar aggregate classification (germline): Uncertain significance. Review status: criteria provided, multiple submitters, no conflicts (2 of 4 stars). 4 submissions from 3 submitters: Uncertain significance (4). Last evaluated 2025-05-06.

Conditions:
Leigh syndrome (NULS). Also called: LEIGH SYNDROME, NUCLEAR; Leigh Disease; Leigh's necrotizing encephalopathy; Leigh's disease; Leigh Syndrome (mtDNA deletion); Subacute necrotizing encephalopathy. Identifiers: Orphanet 506, MedGen C2931891, MONDO:0009723, OMIM 256000.
Mitochondrial complex I deficiency, nuclear type 1. Also called: NADH-COENZYME Q REDUCTASE DEFICIENCY; MITOCHONDRIAL NADH DEHYDROGENASE COMPONENT OF COMPLEX I, DEFICIENCY OF. Identifiers: MedGen C6022305, MONDO:0100224, OMIM 252010.
Inborn genetic diseases. Identifiers: MedGen C0950123, MeSH D030342.

Allele frequency attached by ClinVar (database versions not stated): gnomAD 0.00003; TOPMed 0.00003.
gnomAD v4.1: 53 of 1,596,802 alleles (0.0033%); highest among the groups gnomAD compares: Non-Finnish European, 0.0043%; no homozygotes.

Submissions (4):

Ambry Genetics
Classification: Uncertain significance for Inborn genetic diseases. Last evaluated: 2025-05-06. Review status: criteria provided, single submitter. Criteria: Ambry Variant Classification Scheme 2023. Collection method: clinical testing. Allele origin: germline.

Illumina Laboratory Services, Illumina
Classification: Uncertain significance for Leigh syndrome. Last evaluated: 2018-01-13. Review status: criteria provided, single submitter. Criteria: ICSL Variant Classification Criteria 13 December 2019. Collection method: clinical testing. Allele origin: germline.

Illumina Laboratory Services, Illumina
Classification: Uncertain significance for Mitochondrial complex I deficiency, nuclear type 1. Last evaluated: 2018-01-13. Review status: criteria provided, single submitter. Criteria: ICSL Variant Classification Criteria 13 December 2019. Collection method: clinical testing. Allele origin: germline.

GeneDx
Classification: Uncertain significance. Last evaluated: 2016-04-01. Review status: criteria provided, single submitter. Criteria: GeneDx Variant Classification (06012015). Collection method: clinical testing. Allele origin: germline. Affected: yes.
Comment: The R205G variant in the NDUFS7 gene has not been reported previously as a pathogenic variant, nor as a benign variant, to our knowledge. The R205G variant was not observed in approximately 6500 individuals of European and African American ancestry in the NHLBI Exome Sequencing Project, indicating it is not a common benign variant in these populations. The R205G variant is a non-conservative amino acid substitution, which is likely to impact secondary protein structure as these residues differ in polarity, charge, size and/or other properties. This substitution occurs at a position that is not conserved. In silico analysis is inconsistent in its predictions as to whether or not the variant is damaging to the protein structure/function. We interpret R205G as a variant of uncertain significance.

NM_024407.5(NDUFS7):c.613C>G (p.Arg205Gly)

Gene: NDUFS7 (NADH:ubiquinone oxidoreductase core subunit S7; plus strand). Cytogenetic location: 19p13.3.
Variant type: single nucleotide variant.
Coding change: c.613C>G on transcript NM_024407.5 (MANE Select); coding-DNA position 613, C replaced by G.
Protein change: p.Arg205Gly; replaces arginine 205 with glycine.
Molecular consequence: missense variant. On other transcripts: 3 prime UTR variant (1).
Genome position (GRCh38, 1-based): chr19:1,395,459, C>G. VCF-style: chr19-1395459-C-G. GRCh37 (hg19) VCF-style: chr19-1395458-C-G.
Other names: c.*1037C>G (NM_001363602.2); short protein forms R205G.
Identifiers: ClinVar variation 214830 (VCV000214830.9), dbSNP rs775856806, ClinGen allele CA321615.